The following is an entry in ClinVar:

NM_001369268.1(ACAN):c.80A>G (p.Asn27Ser)

Gene: ACAN (aggrecan; plus strand). Cytogenetic location: 15q26.1.
Variant type: single nucleotide variant.
Coding change: c.80A>G on transcript NM_001369268.1 (MANE Select); coding-DNA position 80, A replaced by G.
Protein change: p.Asn27Ser; replaces asparagine 27 with serine.
Molecular consequence: missense variant.
Genome position (GRCh38, 1-based): chr15:88,838,672, A>G. VCF-style: chr15-88838672-A-G. GRCh37 (hg19) VCF-style: chr15-89381903-A-G.
Other names: c.80A>G (NM_013227.3); c.80A>G, p.Asn27Ser (NM_001135.4, NM_001411096.1, NM_001411097.1 and 1 more transcripts); short protein forms N27S.
Identifiers: ClinVar variation 1935847 (VCV001935847.6), dbSNP rs752419278, ClinGen allele CA7719137.

ClinVar aggregate classification (germline): Uncertain significance. Review status: criteria provided, multiple submitters, no conflicts (2 of 4 stars). 2 submissions from 2 submitters: Uncertain significance (2). Last evaluated 2025-10-02.

Conditions:
Inborn genetic diseases. Identifiers: MedGen C0950123, MeSH D030342.

Allele frequency attached by ClinVar (database versions not stated): ExAC 0.00001; gnomAD 0.00001; TOPMed 0.00001; gnomAD exomes 0.00002.

Submissions (2):

Ambry Genetics
Classification: Uncertain significance for Inborn genetic diseases. Last evaluated: 2025-10-02. Review status: criteria provided, single submitter. Criteria: Ambry Variant Classification Scheme 2023. Collection method: clinical testing. Allele origin: germline.

Labcorp Genetics (formerly Invitae), Labcorp
Classification: Uncertain significance. Last evaluated: 2025-09-03. Review status: criteria provided, single submitter. Criteria: Invitae Variant Classification Sherloc (09022015). Collection method: clinical testing. Allele origin: germline.
Comment: This sequence change replaces asparagine, which is neutral and polar, with serine, which is neutral and polar, at codon 27 of the ACAN protein (p.Asn27Ser). This variant is present in population databases (rs752419278, gnomAD 0.001%). This variant has not been reported in the literature in individuals affected with ACAN-related conditions. ClinVar contains an entry for this variant (Variation ID: 1935847). Invitae Evidence Modeling of protein sequence and biophysical properties (such as structural, functional, and spatial information, amino acid conservation, physicochemical variation, residue mobility, and thermodynamic stability) indicates that this missense variant is not expected to disrupt ACAN protein function with a negative predictive value of 80%. In summary, the available evidence is currently insufficient to determine the role of this variant in disease. Therefore, it has been classified as a Variant of Uncertain Significance.